The following is an entry in ClinVar:

NM_207037.2(TCF12):c.107C>G (p.Thr36Ser)

Gene: TCF12 (transcription factor 12; plus strand). Cytogenetic location: 15q21.3.
Variant type: single nucleotide variant.
Coding change: c.107C>G on transcript NM_207037.2 (MANE Select); coding-DNA position 107, C replaced by G.
Protein change: p.Thr36Ser; replaces threonine 36 with serine.
Molecular consequence: missense variant. On other transcripts: 5 prime UTR variant (3).
Genome position (GRCh38, 1-based): chr15:56,921,057, C>G. VCF-style: chr15-56921057-C-G. GRCh37 (hg19) VCF-style: chr15-57213255-C-G.
Other names: c.107C>G, p.Thr36Ser (NM_001322151.2, NM_001322152.2, NM_001322157.3 and 8 more transcripts); c.-546C>G (NM_001322154.2); c.-130C>G (NM_001322156.2, NM_001322158.2); short protein forms T36S.
Identifiers: ClinVar variation 2276492 (VCV002276492.5), dbSNP rs1259333674, ClinGen allele CA392786237.
Genomic context (GRCh38, chr15:56,921,057, plus strand): 5'-CTAACAGATATATTTGGGTTATTTTGCAGATGTTTTCCCCACCTGTTAATAGTGGGAAAA[C>G]TAGACCAACTACACTGGGAAGCAGTCAATTCAGTGGATCAGGTAAGATGATGTCTTAAAC-3'
Protein context (NP_996920.1, residues 26-46): MFSPPVNSGK[Thr36Ser]RPTTLGSSQF

ClinVar aggregate classification (germline): Uncertain significance. Review status: criteria provided, multiple submitters, no conflicts (2 of 4 stars). 2 submissions from 2 submitters: Uncertain significance (2). Last evaluated 2025-09-04.

Conditions:
Inborn genetic diseases. Identifiers: MedGen C0950123, MeSH D030342.

Allele frequency attached by ClinVar (database versions not stated): gnomAD exomes 0.00001; TOPMed 0.00001.
gnomAD v4.1: 8 of 1,607,990 alleles (0.0005%); highest among the groups gnomAD compares: Middle Eastern, 0.017%; no homozygotes.

Submissions (2):

Labcorp Genetics (formerly Invitae), Labcorp
Classification: Uncertain significance. Last evaluated: 2025-09-04. Review status: criteria provided, single submitter. Criteria: Invitae Variant Classification Sherloc (09022015). Collection method: clinical testing. Allele origin: germline.
Comment: This sequence change replaces threonine, which is neutral and polar, with serine, which is neutral and polar, at codon 36 of the TCF12 protein (p.Thr36Ser). This variant is present in population databases (no rsID available, gnomAD 0.002%). This variant has not been reported in the literature in individuals affected with TCF12-related conditions. ClinVar contains an entry for this variant (Variation ID: 2276492). Invitae Evidence Modeling of protein sequence and biophysical properties (such as structural, functional, and spatial information, amino acid conservation, physicochemical variation, residue mobility, and thermodynamic stability) indicates that this missense variant is not expected to disrupt TCF12 protein function with a negative predictive value of 80%. In summary, the available evidence is currently insufficient to determine the role of this variant in disease. Therefore, it has been classified as a Variant of Uncertain Significance.

Ambry Genetics
Classification: Uncertain significance for Inborn genetic diseases. Last evaluated: 2022-02-10. Review status: criteria provided, single submitter. Criteria: Ambry Variant Classification Scheme 2023. Collection method: clinical testing. Allele origin: germline.